The following is an entry in ClinVar:

NC_000013.10:g.(?_52538988)_(52602746_?)dup

Genes: ATP7B (ATPase copper transporting beta; minus strand), UTP14C (UTP14C small subunit processome component; plus strand), ALG11 (ALG11 alpha-1,2-mannosyltransferase; plus strand), LOC130009842 (ATAC-STARR-seq lymphoblastoid active region 7786; plus strand), LOC130009839 (ATAC-STARR-seq lymphoblastoid silent region 5379; plus strand) and 4 more. Cytogenetic location: 13q14.3.
Variant type: Duplication.
Identifiers: ClinVar variation 584213 (VCV000584213.1).

ClinVar aggregate classification (germline): Uncertain significance (1 of 4 stars; one submission).

Conditions:
ALG11-congenital disorder of glycosylation. Also called: CONGENITAL DISORDER OF GLYCOSYLATION, TYPE Ip; ALG11-CDG. Identifiers: Orphanet 280071, MedGen C3150913, MONDO:0013349, OMIM 613661.

Submission:

Labcorp Genetics (formerly Invitae), Labcorp
Classification: Uncertain significance for Congenital disorder of glycosylation type 1P. Last evaluated: 2018-01-31. Review status: criteria provided, single submitter. Criteria: Invitae Variant Classification Sherloc (09022015). Collection method: clinical testing. Allele origin: germline.
Comment: A gross duplication of the genomic region encompassing the full coding sequence of the ALG11 gene has been identified. The boundaries of this event are unknown as the duplication extends beyond the assayed region for this gene and therefore may encompass additional genes. As the precise location of this duplication is unknown, it may be in tandem or it may be located elsewhere in the genome. This variant has not been reported in the literature in individuals with ALG11-related disease. In summary, the available evidence is currently insufficient to determine the role of this variant in disease. Therefore, it has been classified as a Variant of Uncertain Significance.